The following is an entry in ClinVar:

NM_021167.5(GATAD1):c.681T>A (p.Ser227=)

Gene: GATAD1 (GATA zinc finger domain containing 1; plus strand). Cytogenetic location: 7q21.2.
Variant type: single nucleotide variant.
Coding change: c.681T>A on transcript NM_021167.5 (MANE Select); coding-DNA position 681, T replaced by A.
Protein change: p.Ser227=; no amino-acid change (serine 227 retained).
Molecular consequence: synonymous variant. On other transcripts: non-coding transcript variant (1).
Genome position (GRCh38, 1-based): chr7:92,456,433, T>A. VCF-style: chr7-92456433-T-A. GRCh37 (hg19) VCF-style: chr7-92085747-T-A.
Identifiers: ClinVar variation 518980 (VCV000518980.18), dbSNP rs759247482, ClinGen allele CA4340351.

ClinVar aggregate classification (germline): Likely benign. Review status: criteria provided, multiple submitters, no conflicts (2 of 4 stars). 4 submissions from 4 submitters: Likely benign (3). 1 of the submissions does not count toward it. Last evaluated 2024-08-27.

Conditions:
Cardiovascular phenotype. Identifiers: MedGen CN230736.
Dilated cardiomyopathy 2B. Identifiers: Orphanet 154, MedGen C3553409, MONDO:0013848, OMIM 614672.
GATAD1-related disorder. Also called: GATAD1-related condition.

Allele frequency attached by ClinVar (database versions not stated): gnomAD exomes 0.00001; ExAC 0.00002; gnomAD 0.00003 and 0.00004; TOPMed 0.00003.
gnomAD v4.1: 7 of 1,612,908 alleles (0.00043%); highest among the groups gnomAD compares: African/African-American, 0.0093%; no homozygotes.

Submissions (4):

Labcorp Genetics (formerly Invitae), Labcorp
Classification: Likely benign for Dilated cardiomyopathy 2B. Last evaluated: 2024-08-27. Review status: criteria provided, single submitter. Criteria: Invitae Variant Classification Sherloc (09022015). Collection method: clinical testing. Allele origin: germline.

GeneDx
Classification: Likely benign. Last evaluated: 2021-11-22. Review status: criteria provided, single submitter. Criteria: GeneDx Variant Classification Process June 2021. Collection method: clinical testing. Allele origin: germline. Affected: yes.

Ambry Genetics
Classification: Likely benign for Cardiovascular phenotype. Last evaluated: 2017-03-31. Review status: criteria provided, single submitter. Criteria: Ambry Variant Classification Scheme 2023. Collection method: clinical testing. Allele origin: germline.

PreventionGenetics, part of Exact Sciences
Classification: Likely benign for GATAD1-related condition. Last evaluated: 2024-08-15. Review status: no assertion criteria provided. Collection method: clinical testing. Allele origin: germline. Not counted in ClinVar's aggregate classification.
Comment: This variant is classified as likely benign based on ACMG/AMP sequence variant interpretation guidelines (Richards et al. 2015 PMID: 25741868, with internal and published modifications).